The following is an entry in ClinVar:

ClinVar aggregate classification (germline): Uncertain significance (1 of 4 stars; one submission).

Conditions:
Familial episodic pain syndrome with predominantly lower limb involvement. Also called: Episodic pain syndrome, familial, 3. Identifiers: Orphanet 391384, Orphanet 391392, MedGen C3809899, MONDO:0014247, OMIM 615552.
Hereditary sensory and autonomic neuropathy type 7. Also called: HSAN VII; Neuropathy, hereditary sensory and autonomic, type VII. Identifiers: Orphanet 391397, MedGen C3809882, MONDO:0014244, OMIM 615548.

Submission:

Labcorp Genetics (formerly Invitae), Labcorp
Classification: Uncertain significance for Familial episodic pain syndrome with predominantly lower limb involvement; Hereditary sensory and autonomic neuropathy type 7. Last evaluated: 2025-12-25. Review status: criteria provided, single submitter. Criteria: Invitae Variant Classification Sherloc (09022015). Collection method: clinical testing. Allele origin: germline.
Comment: This sequence change replaces glycine, which is neutral and non-polar, with glutamic acid, which is acidic and polar, at codon 149 of the SCN11A protein (p.Gly149Glu). This variant is not present in population databases (gnomAD no frequency). This variant has not been reported in the literature in individuals affected with SCN11A-related conditions. An algorithm developed to predict the effect of missense changes on protein structure and function (PolyPhen-2) suggests that this variant is likely to be tolerated. In summary, the available evidence is currently insufficient to determine the role of this variant in disease. Therefore, it has been classified as a Variant of Uncertain Significance.

NM_001349253.2(SCN11A):c.446G>A (p.Gly149Glu)

Gene: SCN11A (sodium voltage-gated channel alpha subunit 11; minus strand). Cytogenetic location: 3p22.2.
Variant type: single nucleotide variant.
Coding change: c.446G>A on transcript NM_001349253.2 (MANE Select); coding-DNA position 446, G replaced by A.
Protein change: p.Gly149Glu; replaces glycine 149 with glutamic acid.
Molecular consequence: missense variant.
Genome position (GRCh38, 1-based): chr3:38,945,453, C>T on the plus strand (G>A on the coding strand, the complement: SCN11A is on the minus strand). VCF-style: chr3-38945453-C-T. GRCh37 (hg19) VCF-style: chr3-38986944-C-T.
Other names: c.446G>A, p.Gly149Glu (NM_014139.3); short protein forms G149E.
Identifiers: ClinVar variation 4790607 (VCV004790607.1).
Genomic context (GRCh38, chr3:38,945,453, plus strand): 5'-TGAAGGAAAAATACTTACTCTGCAATGTCAGTATTGTTACTGTTGCTGTTTTTAGCAGGC[C>T]CTGTAGCCATGAACACGCAGTTGATGATAACGGTGCCGATAATGAACATGCTGAACAATG-3'
Protein context (NP_001336182.1, residues 139-159): VIINCVFMAT[Gly149Glu]PAKNSNSNNT